The following is an entry in ClinVar:

ClinVar aggregate classification (germline): Uncertain significance. Review status: criteria provided, multiple submitters, no conflicts (2 of 4 stars). 2 submissions from 2 submitters: Uncertain significance (2). Last evaluated 2022-08-23.

Allele frequency attached by ClinVar (database versions not stated): ExAC 0.00001; gnomAD 0.00004; TOPMed 0.00005.
gnomAD v4.1: 94 of 1,611,462 alleles (0.0058%); highest among the groups gnomAD compares: Non-Finnish European, 0.0073%; no homozygotes.

Submissions (2):

Labcorp Genetics (formerly Invitae), Labcorp
Classification: Uncertain significance. Last evaluated: 2022-08-23. Review status: criteria provided, single submitter. Criteria: Invitae Variant Classification Sherloc (09022015). Collection method: clinical testing. Allele origin: germline.
Comment: This sequence change replaces arginine, which is basic and polar, with histidine, which is basic and polar, at codon 395 of the MME protein (p.Arg395His). This variant is present in population databases (rs199804325, gnomAD 0.01%). This variant has not been reported in the literature in individuals affected with MME-related conditions. ClinVar contains an entry for this variant (Variation ID: 1343832). Algorithms developed to predict the effect of missense changes on protein structure and function are either unavailable or do not agree on the potential impact of this missense change (SIFT: "Tolerated"; PolyPhen-2: "Probably Damaging"; Align-GVGD: "Class C0"). In summary, the available evidence is currently insufficient to determine the role of this variant in disease. Therefore, it has been classified as a Variant of Uncertain Significance.

GeneDx
Classification: Uncertain significance. Last evaluated: 2022-02-24. Review status: criteria provided, single submitter. Criteria: GeneDx Variant Classification Process June 2021. Collection method: clinical testing. Allele origin: germline. Affected: yes.
Comment: In silico analysis supports that this missense variant has a deleterious effect on protein structure/function; Has not been previously published as pathogenic or benign to our knowledge

NM_007289.4(MME):c.1184G>A (p.Arg395His)

Gene: MME (membrane metalloendopeptidase; plus strand). Cytogenetic location: 3q25.2.
Variant type: single nucleotide variant.
Coding change: c.1184G>A on transcript NM_007289.4 (MANE Select); coding-DNA position 1184, G replaced by A.
Protein change: p.Arg395His; replaces arginine 395 with histidine.
Molecular consequence: missense variant.
Genome position (GRCh38, 1-based): chr3:155,142,326, G>A. VCF-style: chr3-155142326-G-A. GRCh37 (hg19) VCF-style: chr3-154860115-G-A.
Other names: c.1184G>A, p.Arg395His (NM_000902.5, NM_001354642.2, NM_001354643.1 and 2 more transcripts); short protein forms R395H.
Identifiers: ClinVar variation 1343832 (VCV001343832.6), dbSNP rs199804325, ClinGen allele CA2675409.